The following is an entry in ClinVar:

ClinVar aggregate classification (germline): Likely pathogenic (1 of 4 stars; one submission).

Conditions:
Lynch syndrome 8 (LYNCH8). Also called: Colorectal cancer, hereditary nonpolyposis, type 8. Identifiers: Orphanet 144, MedGen C2750471, MONDO:0013196, OMIM 613244.

Submission:

Foundation for Research in Genetics and Endocrinology, FRIGE's Institute of Human Genetics
Classification: Likely pathogenic for Lynch syndrome 8. Review status: criteria provided, single submitter. Criteria: ACMG Guidelines, 2015. Collection method: clinical testing. Allele origin: germline. Inheritance: Autosomal dominant inheritance. Affected: yes. Observed: 1 heterozygote.
Comment: A large heterozygous deletion of size 13.44 kb on chromosome 2 [chr2:g.(47369582_47373462)_(47386896_?)del] encompasses exons 2-9 of the EPCAM gene. Contiguous deletion of this region have previously been reported in patients with Lynch syndrome.

NC_000002.12:g.(47369582_47373462)_(47386896_?)del

Genes: EPCAM (epithelial cell adhesion molecule; plus strand), MIR559 (microRNA 559; plus strand). Cytogenetic location: 2p21.
Variant type: Deletion.
Identifiers: ClinVar variation 3336805 (VCV003336805.2).